The following is an entry in ClinVar:

ClinVar aggregate classification (germline): Likely pathogenic (1 of 4 stars; one submission).

Conditions:
Wilms tumor 1 (WT1). Also called: Wilms tumor, somatic. Identifiers: Orphanet 654, MedGen CN033288, MONDO:0008679, OMIM 194070.

Submissions (3):

Labcorp Genetics (formerly Invitae), Labcorp
Classification: Likely pathogenic for Wilms tumor 1. Last evaluated: 2019-04-28. Review status: criteria provided, single submitter. Criteria: Invitae Variant Classification Sherloc (09022015). Collection method: clinical testing. Allele origin: germline.
Comment: This sequence change affects a donor splice site in intron 5 of the GPC3 gene. It is expected to disrupt RNA splicing and likely results in an absent or disrupted protein product. This variant is not present in population databases (ExAC no frequency). This variant has not been reported in the literature in individuals with GPC3-related conditions. Algorithms developed to predict the effect of sequence changes on RNA splicing suggest that this variant may disrupt the consensus splice site, but this prediction has not been confirmed by published transcriptional studies. Donor and acceptor splice site variants typically lead to a loss of protein function (PMID: 16199547), and loss-of-function variants in GPC3 are known to be pathogenic (PMID: 10402475, 12713262, 17603795). In summary, the currently available evidence indicates that the variant is pathogenic, but additional data are needed to prove that conclusively. Therefore, this variant has been classified as Likely Pathogenic.

Dr. Peter K. Rogan Lab, Western University
No classification provided (evidence only). Condition: Thyroid cancer, nonmedullary, 1. Review status: no classification provided. Collection method: in vitro. Allele origin: not applicable. Functional consequence: retained intron. Not counted in ClinVar's aggregate classification.

Dr. Peter K. Rogan Lab, Western University
No classification provided (evidence only). Condition: Thyroid cancer, nonmedullary, 1. Review status: no classification provided. Collection method: in vitro. Allele origin: not applicable. Functional consequence: retained intron. Not counted in ClinVar's aggregate classification.

Literature cited by the submitters: PubMed 16199547 (cited by Labcorp Genetics (formerly Invitae), Labcorp); PubMed 10402475 (cited by Labcorp Genetics (formerly Invitae), Labcorp); PubMed 12713262 (cited by Labcorp Genetics (formerly Invitae), Labcorp); PubMed 17603795 (cited by Labcorp Genetics (formerly Invitae), Labcorp).

NM_004484.4(GPC3):c.1292+2T>A

Gene: GPC3 (glypican 3; minus strand). Cytogenetic location: Xq26.2.
Variant type: single nucleotide variant.
Coding change: c.1292+2T>A on transcript NM_004484.4 (MANE Select); the canonical splice donor site of the intron after coding-DNA position 1292, T replaced by A.
Molecular consequence: splice donor variant.
Genome position (GRCh38, 1-based): chrX:133,692,367, A>T on the plus strand (T>A on the coding strand, the complement: GPC3 is on the minus strand). VCF-style: chrX-133692367-A-T. GRCh37 (hg19) VCF-style: chrX-132826395-A-T.
Other names: c.1130+2T>A (NM_001164619.2); c.1244+2T>A (NM_001164618.2); c.1361+2T>A (NM_001164617.2).
Identifiers: ClinVar variation 850257 (VCV000850257.9), dbSNP rs2071072322, ClinGen allele CA414705250.
Genomic context (GRCh38, chrX:133,692,367, plus strand): 5'-TATATAAACATATGACAATTATTCCTCAAATATTGCTATATGTAACTTTCAAAAAAGATC[A>T]CCTCTCCACGAGTTCTTGTCCATTCCAGCAAAGGGTGTCGTTTTCCGCCACAGGGCTATG-3'